The following is an entry in ClinVar:

ClinVar aggregate classification (germline): Pathogenic/Likely pathogenic. Review status: criteria provided, multiple submitters, no conflicts (2 of 4 stars). 2 submissions from 2 submitters: Pathogenic (1); Likely pathogenic (1). Last evaluated 2024-03-07.

Conditions:
Hermansky-Pudlak syndrome 3 (HPS3). Identifiers: Orphanet 231512, Orphanet 79430, MedGen C3888001, MONDO:0013555, OMIM 614072.

Submissions (2):

Baylor Genetics
Classification: Likely pathogenic for Hermansky-Pudlak syndrome 3. Last evaluated: 2024-03-07. Review status: criteria provided, single submitter. Criteria: ACMG Guidelines, 2015. Collection method: clinical testing. Allele origin: unknown.

Labcorp Genetics (formerly Invitae), Labcorp
Classification: Pathogenic. Last evaluated: 2024-01-16. Review status: criteria provided, single submitter. Criteria: Invitae Variant Classification Sherloc (09022015). Collection method: clinical testing. Allele origin: germline.
Comment: This sequence change creates a premature translational stop signal (p.Tyr353Serfs*9) in the HPS3 gene. It is expected to result in an absent or disrupted protein product. Loss-of-function variants in HPS3 are known to be pathogenic (PMID: 11590544). This variant is not present in population databases (gnomAD no frequency). This variant has not been reported in the literature in individuals affected with HPS3-related conditions. ClinVar contains an entry for this variant (Variation ID: 2168381). Algorithms developed to predict the effect of sequence changes on RNA splicing suggest that this variant may disrupt the consensus splice site. For these reasons, this variant has been classified as Pathogenic.

Literature cited by the submitters: PubMed 11590544 (cited by Labcorp Genetics (formerly Invitae), Labcorp).

NM_032383.5(HPS3):c.1058_1059del (p.Tyr353fs)

Gene: HPS3 (HPS3 biogenesis of lysosomal organelles complex 2 subunit 1; plus strand). Cytogenetic location: 3q24.
Variant type: Deletion.
Coding change: c.1058_1059del on transcript NM_032383.5 (MANE Select); coding-DNA positions 1058 to 1059, 2 bases deleted (AT; older notation c.1058_1059delAT).
Protein change: p.Tyr353fs; shifts the reading frame from tyrosine 353.
Molecular consequence: frameshift variant.
Genome position (GRCh38, 1-based): chr3:149,145,441-149,145,442, AT deleted; deleting any 2 consecutive bases within chr3:149,145,440-149,145,442 gives the same sequence; the c. name uses the placement nearest the transcript's 3' end. VCF-style (leftmost placement, unchanged base first): chr3-149145439-CTA-C. GRCh37 (hg19) VCF-style: chr3-148863226-CTA-C.
Other names: c.563_564del, p.Tyr188fs (NM_001308258.2); short protein forms Y353fs, Y188fs.
Identifiers: ClinVar variation 2168381 (VCV002168381.5), dbSNP rs1722734460, ClinGen allele CA1410093847.